The following continues an entry in ClinVar:

NM_007294.4(BRCA1):c.1961del (p.Lys654fs)

Gene: BRCA1. ClinVar aggregate classification (germline): Pathogenic. Pathogenic (1). ClinVar aggregate classification (oncogenicity): Oncogenic.

Submissions 27 to 42 of 42:

Illumina Laboratory Services, Illumina
Classification: Pathogenic for Hereditary Breast and Ovarian Cancer. Last evaluated: 2016-06-14. Review status: criteria provided, single submitter. Criteria: ICSL Variant Classification 20161018. Collection method: clinical testing. Allele origin: germline. Not counted in ClinVar's aggregate classification.
Comment: The c.1961delA (p.Lys654SerfsTer47) variant (also commonly referred to as c.2080delA) results in a frameshift, and is predicted to result in premature termination of the protein. Across a selection of the available literature, the p.Lys654SerfsTer47 variant has been identified in a heterozygous state in 29 cases of breast or ovarian cancer (Gayther et al. 1995; Risch et al. 2001; Curci et al. 2002; Diez et al. 2003; Martinez-Ferrandis et al. 2003; Ahn et al. 2007; Kwon et al. 2008; Iyevleva et al. 2010; Kim et al. 2012; Kang et al. 2015; de Juan Jiminez et al. 2013; George et al. 2013; Abugattas et al. 2014; Silva et al. 2014). The variant was absent from 100 controls and is reported at a frequency of 0.00002 in the European (Non-Finnish) population of the Exome Aggregation Consortium Project but this is based on one allele so the variant is presumed to be rare. Most variants in the BRCA1 gene that have been shown to be associated with breast and ovarian cancer are frameshift variants resulting in a non-functional protein. Based on the potential impact of frameshift variants and the available evidence, the p.Lys654SerfsTer47 variant is classified as pathogenic for hereditary breast and ovarian cancer syndrome.

Consortium of Investigators of Modifiers of BRCA1/2 (CIMBA), c/o University of Cambridge
Classification: Pathogenic for Breast-ovarian cancer, familial, susceptibility to, 1. Last evaluated: 2015-10-02. Review status: criteria provided, single submitter. Criteria: CIMBA Mutation Classification guidelines May 2016. Collection method: clinical testing. Allele origin: germline. Not counted in ClinVar's aggregate classification.

Clinical Genetics DNA and cytogenetics Diagnostics Lab, Erasmus MC, Erasmus Medical Center
Classification: Pathogenic for Breast-ovarian cancer, familial, susceptibility to, 1. Last evaluated: 2015-09-21. Review status: criteria provided, single submitter. Criteria: ACGS Guidelines, 2013. Collection method: clinical testing. Allele origin: germline. Affected: yes. Study: VKGL Data-share Consensus. Not counted in ClinVar's aggregate classification.

Molecular Genetics Laboratory, University of Michigan
Classification: Pathogenic for Breast-ovarian cancer, familial, susceptibility to, 1. Last evaluated: 2014-11-03. Review status: criteria provided, single submitter. Criteria: ACMG Guidelines, 2015. Collection method: clinical testing. Allele origin: germline. Affected: yes. Not counted in ClinVar's aggregate classification.

Clinical and Functional Genomics Group, A.C.Camargo Cancer Center
Classification: Pathogenic for Breast Cancer. Review status: criteria provided, single submitter. Criteria: Silva et al. (BMC Med Genet. 2014). Collection method: research. Allele origin: germline. Affected: yes. Not counted in ClinVar's aggregate classification.

BRCAlab, Lund University
Classification: Pathogenic for Breast-ovarian cancer, familial, susceptibility to, 1. Last evaluated: 2020-03-02. Review status: no assertion criteria provided. Collection method: clinical testing. Allele origin: germline. Affected: yes. Not counted in ClinVar's aggregate classification.

Counsyl
Classification: Pathogenic for Breast-ovarian cancer, familial, susceptibility to, 1. Last evaluated: 2017-06-27. Review status: no assertion criteria provided. Collection method: clinical testing. Allele origin: unknown. Not counted in ClinVar's aggregate classification.

Institute of Human Genetics, Medical University Innsbruck
Classification: Pathogenic for Breast-ovarian cancer, familial 1. Last evaluated: 2015-02-11. Review status: no assertion criteria provided. Criteria: clinical testing. Collection method: clinical testing. Allele origin: germline. Affected: yes. Study: BRCA-Tyrol. Not counted in ClinVar's aggregate classification.
Comment: BRCA-mutation spectrum Western Austria

Research Molecular Genetics Laboratory, Women's College Hospital, University of Toronto
Classification: Pathogenic for Hereditary breast ovarian cancer syndrome. Last evaluated: 2014-01-31. Review status: no assertion criteria provided. Collection method: research. Allele origin: germline. Affected: yes. Study: The Canadian Open Genetics Repository (COGR). Not counted in ClinVar's aggregate classification.

Sharing Clinical Reports Project (SCRP)
Classification: Pathogenic for Breast-ovarian cancer, familial 1. Last evaluated: 2014-01-08. Review status: no assertion criteria provided. Collection method: clinical testing. Allele origin: germline. Not counted in ClinVar's aggregate classification.

Breast Cancer Information Core (BIC) (BRCA1)
Classification: Pathogenic for Breast-ovarian cancer, familial 1. Last evaluated: 2002-05-29. Review status: no assertion criteria provided. Collection method: clinical testing. Allele origin: germline. Affected: yes. Observed: 39 variant alleles. Not counted in ClinVar's aggregate classification.

Center for Precision Medicine, Meizhou People's Hospital
Classification: Pathogenic for Familial cancer of breast. Review status: no assertion criteria provided. Collection method: literature only. Allele origin: germline. Affected: yes. Not counted in ClinVar's aggregate classification.

Clinical Genetics Laboratory, Department of Pathology, Netherlands Cancer Institute
Classification: Pathogenic. Review status: no assertion criteria provided. Collection method: clinical testing. Allele origin: germline. Affected: yes. Study: VKGL Data-share Consensus. Not counted in ClinVar's aggregate classification.

Department of Pathology and Laboratory Medicine, Sinai Health System
Classification: Pathogenic for Malignant tumor of breast. Review status: no assertion criteria provided. Collection method: clinical testing. Allele origin: unknown. Affected: yes. Study: The Canadian Open Genetics Repository (COGR). Not counted in ClinVar's aggregate classification.
Comment: The BRCA1 p.Lys654Serfs*47 variant was identified in 5 of 1160 proband chromosomes (frequency: 0.004) from individuals or families with breast or ovarian cancer (Al-Mulla 2008, de Juan 2015, Diez 2003). The variant was also identified in dbSNP (ID: rs80357522), ClinVar (classified as pathogenic by Invitae, GeneDx, Ambry Genetics and sixteen other submitters), and in LOVD 3.0 (58X ).The variant was not identified in UMD-LSDB. The variant was not identified in the following control databases: the Exome Aggregation Consortium (August 8th 2016), or the Genome Aggregation Database (Feb 27, 2017). The c.1961del variant is predicted to cause a frameshift, which alters the protein's amino acid sequence beginning at codon 654 and leads to a premature stop codon at position 700. This alteration is then predicted to result in a truncated or absent protein and loss of function. Loss of function variants of the BRCA1 gene are an established mechanism of disease in BRCA1 associated cancers and is the type of variant expected to cause the disorder. In summary, based on the above information this variant meets our laboratoryâ€šÃ„Ã´s criteria to be classified as pathogenic.

Diagnostic Laboratory, Department of Genetics, University Medical Center Groningen
Classification: Pathogenic for Breast-ovarian cancer, familial, susceptibility to, 1. Review status: no assertion criteria provided. Collection method: clinical testing. Allele origin: germline. Affected: yes. Study: VKGL Data-share Consensus. Not counted in ClinVar's aggregate classification.

Genome Diagnostics Laboratory, University Medical Center Utrecht
Classification: Pathogenic. Review status: no assertion criteria provided. Collection method: clinical testing. Allele origin: germline. Affected: yes. Study: VKGL Data-share Consensus. Not counted in ClinVar's aggregate classification.

Literature cited by the submitters: PubMed 20104584 (cited by Labcorp Genetics (formerly Invitae), Labcorp); PubMed 7493024 (cited by 8 submitters); PubMed 12955716 (cited by 5 submitters); PubMed 17645508 (cited by 4 submitters); PubMed 23633455 (cited by 7 submitters); PubMed 26026974 (cited by 4 submitters); PubMed 11179017 (cited by 4 submitters); PubMed 14517958 (cited by 4 submitters); PubMed 16455195 (cited by 4 submitters); PubMed 20727672 (cited by 4 submitters); PubMed 22711857 (cited by 3 submitters); PubMed 22798144 (cited by 4 submitters); PubMed 23479189 (cited by 5 submitters); PubMed 30350268 (cited by Mayo Clinic Laboratories, Mayo Clinic and Quest Diagnostics Nichols Institute San Juan Capistrano); PubMed 30606148 (cited by 3 submitters); PubMed 30720863 (cited by Mayo Clinic Laboratories, Mayo Clinic and Quest Diagnostics Nichols Institute San Juan Capistrano); PubMed 31853058 (cited by Mayo Clinic Laboratories, Mayo Clinic and Color Diagnostics, LLC DBA Color Health); PubMed 36537080 (cited by Mayo Clinic Laboratories, Mayo Clinic and All of Us Research Program, National Institutes of Health); PubMed 37851290 (cited by Mayo Clinic Laboratories, Mayo Clinic and All of Us Research Program, National Institutes of Health); PubMed 11956590 (cited by 3 submitters); PubMed 14760071 (cited by 3 submitters); PubMed 24884479 (cited by 4 submitters); PubMed 25256238 (cited by 5 submitters); PubMed 28324225 (cited by 3 submitters); PubMed 31214711 (cited by Color Diagnostics, LLC DBA Color Health and Quest Diagnostics Nichols Institute San Juan Capistrano); PubMed 33471991 (cited by Color Diagnostics, LLC DBA Color Health); PubMed 11802209 (cited by All of Us Research Program, National Institutes of Health); PubMed 21989022 (cited by All of Us Research Program, National Institutes of Health); PubMed 25682074 (cited by All of Us Research Program, National Institutes of Health); PubMed 32375709 (cited by All of Us Research Program, National Institutes of Health); PubMed 34290354 (cited by All of Us Research Program, National Institutes of Health); PubMed 36974006 (cited by All of Us Research Program, National Institutes of Health); PubMed 26689913 (cited by Quest Diagnostics Nichols Institute San Juan Capistrano); PubMed 28176296 (cited by Quest Diagnostics Nichols Institute San Juan Capistrano); PubMed 28831036 (cited by Quest Diagnostics Nichols Institute San Juan Capistrano); PubMed 29310832 (cited by Quest Diagnostics Nichols Institute San Juan Capistrano); PubMed 29625052 (cited by Quest Diagnostics Nichols Institute San Juan Capistrano); PubMed 29907814 (cited by Quest Diagnostics Nichols Institute San Juan Capistrano); PubMed 29928469 (cited by Quest Diagnostics Nichols Institute San Juan Capistrano); PubMed 30014164 (cited by Quest Diagnostics Nichols Institute San Juan Capistrano); PubMed 30322717 (cited by Quest Diagnostics Nichols Institute San Juan Capistrano); PubMed 31090900 (cited by Quest Diagnostics Nichols Institute San Juan Capistrano); PubMed 31825140 (cited by Quest Diagnostics Nichols Institute San Juan Capistrano); PubMed 32341426 (cited by Quest Diagnostics Nichols Institute San Juan Capistrano); PubMed 33654310 (cited by Quest Diagnostics Nichols Institute San Juan Capistrano); PubMed 26295337 (cited by Quest Diagnostics Nichols Institute San Juan Capistrano and Center for Precision Medicine, Meizhou People's Hospital); PubMed 25863477 (cited by 3 submitters); PubMed 23469205 (cited by Quest Diagnostics Nichols Institute San Juan Capistrano and Clinical and Functional Genomics Group, A.C.Camargo Cancer Center); PubMed 21702907 (cited by Quest Diagnostics Nichols Institute San Juan Capistrano); PubMed 15145354 (cited by Quest Diagnostics Nichols Institute San Juan Capistrano and 3DMed Clinical Laboratory Inc); PubMed 12698193 (cited by Women's Health and Genetics/Laboratory Corporation of America, LabCorp); PubMed 29446198 (cited by Women's Health and Genetics/Laboratory Corporation of America, LabCorp).